The following is an entry in ClinVar:

NM_002691.4(POLD1):c.918C>A (p.Arg306=)

Gene: POLD1 (DNA polymerase delta 1, catalytic subunit; plus strand). Cytogenetic location: 19q13.33.
Variant type: single nucleotide variant.
Coding change: c.918C>A on transcript NM_002691.4 (MANE Select); coding-DNA position 918, C replaced by A.
Protein change: p.Arg306=; no amino-acid change (arginine 306 retained).
Molecular consequence: synonymous variant. On other transcripts: non-coding transcript variant (1).
Genome position (GRCh38, 1-based): chr19:50,402,689, C>A. VCF-style: chr19-50402689-C-A. GRCh37 (hg19) VCF-style: chr19-50905946-C-A.
Other names: c.918C>A, p.Arg306= (NM_001256849.1, NM_001308632.1).
Identifiers: ClinVar variation 239376 (VCV000239376.17), dbSNP rs878854559, ClinGen allele CA10583821.

ClinVar aggregate classification (germline): Benign/Likely benign. Review status: criteria provided, multiple submitters, no conflicts (2 of 4 stars). 3 submissions from 3 submitters: Benign (1); Likely benign (2). Last evaluated 2026-01-05.

Conditions:
POLD1-related polyposis and colorectal cancer syndrome (CRCS10). Also called: COLORECTAL CANCER, SUSCEPTIBILITY TO, ON CHROMOSOME 19q; Colorectal cancer 10; Colorectal cancer, susceptibility to, 10. Identifiers: Orphanet 220460, MedGen C2675481, MONDO:0012953, OMIM 612591.
Hereditary cancer-predisposing syndrome. Also called: Hereditary Cancer Syndrome; Neoplastic Syndromes, Hereditary; Hereditary neoplastic syndrome; Tumor predisposition. Identifiers: Orphanet 140162, MedGen C0027672, MeSH D009386, MONDO:0015356.

Submissions (3):

Labcorp Genetics (formerly Invitae), Labcorp
Classification: Likely benign for POLD1-related polyposis and colorectal cancer syndrome. Last evaluated: 2026-01-05. Review status: criteria provided, single submitter. Criteria: Invitae Variant Classification Sherloc (09022015). Collection method: clinical testing. Allele origin: germline.

Myriad Genetics, Inc.
Classification: Benign for POLD1-related polyposis and colorectal cancer syndrome. Last evaluated: 2025-02-05. Review status: criteria provided, single submitter. Criteria: Myriad Autosomal Dominant, Autosomal Recessive and X-Linked Classification Criteria (2023). Collection method: clinical testing. Allele origin: unknown.
Comment: This variant is considered benign. This variant is a silent/synonymous amino acid change and it is not expected to impact splicing.

Ambry Genetics
Classification: Likely benign for Hereditary cancer-predisposing syndrome. Last evaluated: 2016-05-03. Review status: criteria provided, single submitter. Criteria: Ambry Variant Classification Scheme 2023. Collection method: clinical testing. Allele origin: germline.